The following is an entry in ClinVar:

ClinVar aggregate classification (germline): Uncertain significance (1 of 4 stars; one submission).

Allele frequency attached by ClinVar (database versions not stated): ExAC 0.00006.
gnomAD v4.1: 29 of 1,599,088 alleles (0.0018%); highest among the groups gnomAD compares: East Asian, 0.0045%; no homozygotes.

Submission:

CeGaT Center for Human Genetics Tuebingen
Classification: Uncertain significance. Last evaluated: 2022-08-01. Review status: criteria provided, single submitter. Criteria: CeGaT Center For Human Genetics Tuebingen Variant Classification Criteria Version 2. Collection method: clinical testing. Allele origin: germline. Affected: yes. Observed: 1 variant allele.
Comment: ACVRL1: PM1, PM2:Supporting, PM5:Supporting, BP4

NM_000020.3(ACVRL1):c.140G>A (p.Arg47Gln)

Gene: ACVRL1 (activin A receptor like type 1; plus strand). Cytogenetic location: 12q13.13.
Variant type: single nucleotide variant.
Coding change: c.140G>A on transcript NM_000020.3 (MANE Select); coding-DNA position 140, G replaced by A.
Protein change: p.Arg47Gln; replaces arginine 47 with glutamine.
Molecular consequence: missense variant. On other transcripts: intron variant (1).
Genome position (GRCh38, 1-based): chr12:51,913,177, G>A. VCF-style: chr12-51913177-G-A. GRCh37 (hg19) VCF-style: chr12-52306961-G-A.
Other names: c.140G>A, p.Arg47Gln (NM_001406493.1, NM_001406494.1, NM_001077401.2 and 6 more transcripts); c.61+642G>A (NM_001406495.1); short protein forms R47Q.
Identifiers: ClinVar variation 2643006 (VCV002643006.24), dbSNP rs774389618, ClinGen allele CA6572823.